The following is an entry in ClinVar:

ClinVar aggregate classification (germline): Conflicting classifications of pathogenicity. Review status: criteria provided, conflicting classifications (1 of 4 stars). 3 submissions from 3 submitters: Uncertain significance (2); Likely benign (1). Last evaluated 2025-11-27.

Conditions:
Congenital contractural arachnodactyly (CCA). Also called: Arthrogryposis, distal, type 9; BEALS SYNDROME; Beals-Hecht syndrome. Identifiers: Orphanet 115, MedGen C0220668, MONDO:0007363, OMIM 121050.
Familial thoracic aortic aneurysm and aortic dissection (TAAD). Also called: Thoracic aortic aneurysms and dissections. Identifiers: Orphanet 91387, MedGen C4707243, MONDO:0019625.

Allele frequency attached by ClinVar (database versions not stated): TOPMed 0.00002; gnomAD 0.00003; gnomAD exomes 0.00003.
gnomAD v4.1: 47 of 1,613,836 alleles (0.0029%); highest among the groups gnomAD compares: Non-Finnish European, 0.0037%; no homozygotes.

Submissions (3):

Labcorp Genetics (formerly Invitae), Labcorp
Classification: Uncertain significance for Congenital contractural arachnodactyly. Last evaluated: 2025-11-27. Review status: criteria provided, single submitter. Criteria: Invitae Variant Classification Sherloc (09022015). Collection method: clinical testing. Allele origin: germline.
Comment: This sequence change replaces isoleucine, which is neutral and non-polar, with methionine, which is neutral and non-polar, at codon 2055 of the FBN2 protein (p.Ile2055Met). This variant is present in population databases (no rsID available, gnomAD 0.002%). This variant has not been reported in the literature in individuals affected with FBN2-related conditions. ClinVar contains an entry for this variant (Variation ID: 2419849). An algorithm developed to predict the effect of missense changes on protein structure and function (PolyPhen-2) suggests that this variant is likely to be disruptive. In summary, the available evidence is currently insufficient to determine the role of this variant in disease. Therefore, it has been classified as a Variant of Uncertain Significance.

Ambry Genetics
Classification: Uncertain significance for Familial thoracic aortic aneurysm and aortic dissection. Last evaluated: 2022-12-20. Review status: criteria provided, single submitter. Criteria: Ambry Variant Classification Scheme 2023. Collection method: clinical testing. Allele origin: germline.
Comment: The p.I2055M variant (also known as c.6165T>G), located in coding exon 48 of the FBN2 gene, results from a T to G substitution at nucleotide position 6165. The isoleucine at codon 2055 is replaced by methionine, an amino acid with highly similar properties. This amino acid position is well conserved in available vertebrate species. In addition, the in silico prediction for this alteration is inconclusive. Since supporting evidence is limited at this time, the clinical significance of this alteration remains unclear.

Blueprint Genetics
Classification: Likely benign. Last evaluated: 2022-02-01. Review status: criteria provided, single submitter. Criteria: ACMG Guidelines, 2015. Collection method: clinical testing. Allele origin: germline.

NM_001999.4(FBN2):c.6165T>G (p.Ile2055Met)

Gene: FBN2 (fibrillin 2; minus strand). Cytogenetic location: 5q23.3.
Variant type: single nucleotide variant.
Coding change: c.6165T>G on transcript NM_001999.4 (MANE Select); coding-DNA position 6165, T replaced by G.
Protein change: p.Ile2055Met; replaces isoleucine 2055 with methionine.
Molecular consequence: missense variant.
Genome position (GRCh38, 1-based): chr5:128,300,818, A>C on the plus strand (T>G on the coding strand, the complement: FBN2 is on the minus strand). VCF-style: chr5-128300818-A-C. GRCh37 (hg19) VCF-style: chr5-127636510-A-C.
Other names: c.6165T>G (NM_001999.3); short protein forms I2055M.
Identifiers: ClinVar variation 2419849 (VCV002419849.11), dbSNP rs1291511579, ClinGen allele CA360766143.